The following is an entry in ClinVar:

ClinVar aggregate classification (germline): Likely benign (1 of 4 stars; one submission).

Submission:

CeGaT Center for Human Genetics Tuebingen
Classification: Likely benign. Last evaluated: 2024-12-01. Review status: criteria provided, single submitter. Criteria: CeGaT Center For Human Genetics Tuebingen Variant Classification Criteria Version 2. Collection method: clinical testing. Allele origin: germline. Affected: yes. Observed: 1 variant allele.
Comment: RSPH10B2: BP4, BP7

NM_001099697.2(RSPH10B2):c.372T>C (p.Tyr124=)

Gene: RSPH10B2 (radial spoke head 10 homolog B2; plus strand). Cytogenetic location: 7p22.1.
Variant type: single nucleotide variant.
Coding change: c.372T>C on transcript NM_001099697.2 (MANE Select); coding-DNA position 372, T replaced by C.
Protein change: p.Tyr124=; no amino-acid change (tyrosine 124 retained).
Molecular consequence: synonymous variant.
Genome position (GRCh38, 1-based): chr7:6,760,267, T>C. VCF-style: chr7-6760267-T-C. GRCh37 (hg19) VCF-style: chr7-6799898-T-C.
Identifiers: ClinVar variation 3770941 (VCV003770941.13).